The following is an entry in ClinVar:

NM_005476.7(GNE):c.1282G>A (p.Gly428Ser)

Gene: GNE (glucosamine (UDP-N-acetyl)-2-epimerase/N-acetylmannosamine kinase; minus strand). Cytogenetic location: 9p13.3.
Variant type: single nucleotide variant.
Coding change: c.1282G>A on transcript NM_005476.7 (MANE Select); coding-DNA position 1282, G replaced by A.
Protein change: p.Gly428Ser; replaces glycine 428 with serine.
Molecular consequence: missense variant.
Genome position (GRCh38, 1-based): chr9:36,223,502, C>T on the plus strand (G>A on the coding strand, the complement: GNE is on the minus strand). VCF-style: chr9-36223502-C-T. GRCh37 (hg19) VCF-style: chr9-36223499-C-T.
Other names: c.1375G>A, p.Gly459Ser (NM_001128227.3); c.1282G>A, p.Gly428Ser (NM_001190383.3); c.952G>A, p.Gly318Ser (NM_001190384.3); c.1105G>A, p.Gly369Ser (NM_001190388.2, NM_001374798.1); c.1129G>A, p.Gly377Ser (NM_001374797.1); short protein forms G318S, G369S, G428S, G377S, G459S.
Identifiers: ClinVar variation 1445085 (VCV001445085.8), dbSNP rs767409392, ClinGen allele CA5056508.
Genomic context (GRCh38, chr9:36,223,502, plus strand): 5'-AATTAATCCTCTCTTCATAGGTTTTAGGATTGAACTGAGTATACTTCTTAACTATTTCAC[C>T]CTAAAAGAGAAAACAACAAGTTCCGTCTTACTGGTCTTAGCTAAGCAGCATATTGTGAGT-3'
Protein context (NP_005467.1, residues 418-438): NLRVAIVSMK[Gly428Ser]EIVKKYTQFN

ClinVar aggregate classification (germline): Uncertain significance (1 of 4 stars; one submission).

Conditions:
GNE myopathy (NM). Also called: INCLUSION BODY MYOPATHY, HEREDITARY, AUTOSOMAL RECESSIVE; INCLUSION BODY MYOPATHY 2, AUTOSOMAL RECESSIVE; IBM 2; NONAKA DISTAL MYOPATHY; MYOPATHY, DISTAL, WITH OR WITHOUT RIMMED VACUOLES; Inclusion body myopathy autosomal recessive. Identifiers: Orphanet 602, MedGen C1853926, MONDO:0011603, OMIM 605820.
Sialuria. Also called: SIALURIA, FRENCH TYPE; Sialic Acid Storage Disease. Identifiers: Orphanet 3166, MedGen C0342853, MONDO:0010028, OMIM 269921.

Allele frequency attached by ClinVar (database versions not stated): gnomAD exomes below 0.00001; ExAC 0.00001.
gnomAD v4.1: 1 of 1,609,392 alleles (0.000062%); highest among the groups gnomAD compares: Non-Finnish European, 0.000085%; no homozygotes.

Submission:

Labcorp Genetics (formerly Invitae), Labcorp
Classification: Uncertain significance for Sialuria; GNE myopathy. Last evaluated: 2022-07-19. Review status: criteria provided, single submitter. Criteria: Invitae Variant Classification Sherloc (09022015). Collection method: clinical testing. Allele origin: germline.
Comment: In summary, the available evidence is currently insufficient to determine the role of this variant in disease. Therefore, it has been classified as a Variant of Uncertain Significance. Algorithms developed to predict the effect of missense changes on protein structure and function (SIFT, PolyPhen-2, Align-GVGD) all suggest that this variant is likely to be disruptive. ClinVar contains an entry for this variant (Variation ID: 1445085). This missense change has been observed in individuals with autosomal recessive GNE-related conditions (PMID: 30467490; Invitae). This variant is present in population databases (rs767409392, gnomAD 0.0009%). This sequence change replaces glycine, which is neutral and non-polar, with serine, which is neutral and polar, at codon 459 of the GNE protein (p.Gly459Ser).

Literature cited by the submitters: PubMed 30467490.